The following is an entry in ClinVar:

NM_198576.4(AGRN):c.5467G>A (p.Gly1823Ser)

Gene: AGRN (agrin; plus strand). Cytogenetic location: 1p36.33.
Variant type: single nucleotide variant.
Coding change: c.5467G>A on transcript NM_198576.4 (MANE Select); coding-DNA position 5467, G replaced by A.
Protein change: p.Gly1823Ser; replaces glycine 1823 with serine.
Molecular consequence: missense variant.
Genome position (GRCh38, 1-based): chr1:1,051,549, G>A. VCF-style: chr1-1051549-G-A. GRCh37 (hg19) VCF-style: chr1-986929-G-A.
Other names: c.5479G>A, p.Gly1827Ser (NM_001305275.2); c.5164G>A, p.Gly1722Ser (NM_001364727.2); short protein forms G1827S, G1722S, G1823S.
Identifiers: ClinVar variation 1521908 (VCV001521908.5), dbSNP rs755865580, ClinGen allele CA510045.

ClinVar aggregate classification (germline): Uncertain significance (1 of 4 stars; one submission).

Conditions:
Congenital myasthenic syndrome 8. Also called: MYASTHENIC SYNDROME, CONGENITAL, DUE TO AGRIN DEFICIENCY; Myasthenic syndrome, congenital, 8, with pre- and postsynaptic defects. Identifiers: Orphanet 590, MedGen C3808739, MONDO:0014052, OMIM 615120.

Allele frequency attached by ClinVar (database versions not stated): gnomAD exomes 0.00001; ExAC 0.00003; TOPMed below 0.00001.
gnomAD v4.1: 2 of 1,575,310 alleles (0.00013%); highest among the groups gnomAD compares: Non-Finnish European, 0.00017%; no homozygotes.

Submission:

Labcorp Genetics (formerly Invitae), Labcorp
Classification: Uncertain significance for Congenital myasthenic syndrome 8. Last evaluated: 2021-09-24. Review status: criteria provided, single submitter. Criteria: Invitae Variant Classification Sherloc (09022015). Collection method: clinical testing. Allele origin: germline.
Comment: This sequence change replaces glycine with serine at codon 1823 of the AGRN protein (p.Gly1823Ser). The glycine residue is moderately conserved and there is a small physicochemical difference between glycine and serine. This variant is present in population databases (rs755865580, ExAC 0.005%). This variant has not been reported in the literature in individuals with AGRN-related conditions. Algorithms developed to predict the effect of missense changes on protein structure and function (SIFT, PolyPhen-2, Align-GVGD) all suggest that this variant is likely to be tolerated, but these predictions have not been confirmed by published functional studies and their clinical significance is uncertain. In summary, the available evidence is currently insufficient to determine the role of this variant in disease. Therefore, it has been classified as a Variant of Uncertain Significance.